The following is an entry in ClinVar:

ClinVar aggregate classification (germline): Uncertain significance (1 of 4 stars; one submission).

Conditions:
Inborn genetic diseases. Identifiers: MedGen C0950123, MeSH D030342.

Submission:

Ambry Genetics
Classification: Uncertain significance for Inborn genetic diseases. Last evaluated: 2024-08-02. Review status: criteria provided, single submitter. Criteria: Ambry Variant Classification Scheme 2023. Collection method: clinical testing. Allele origin: germline.
Comment: The p.V1669F variant (also known as c.5005G>T), located in coding exon 34 of the LRRK2 gene, results from a G to T substitution at nucleotide position 5005. The valine at codon 1669 is replaced by phenylalanine, an amino acid with highly similar properties. This amino acid position is conserved. In addition, this alteration is predicted to be deleterious by in silico analysis. Since supporting evidence is limited at this time, the clinical significance of this alteration remains unclear.

NM_198578.4(LRRK2):c.5005G>T (p.Val1669Phe)

Gene: LRRK2 (leucine rich repeat kinase 2; plus strand). Cytogenetic location: 12q12.
Variant type: single nucleotide variant.
Coding change: c.5005G>T on transcript NM_198578.4 (MANE Select); coding-DNA position 5005, G replaced by T.
Protein change: p.Val1669Phe; replaces valine 1669 with phenylalanine.
Molecular consequence: missense variant.
Genome position (GRCh38, 1-based): chr12:40,320,165, G>T. VCF-style: chr12-40320165-G-T. GRCh37 (hg19) VCF-style: chr12-40713967-G-T.
Other names: short protein forms V1669F.
Identifiers: ClinVar variation 1744740 (VCV001744740.3), dbSNP rs2499874209, ClinGen allele CA384419768.